The following is an entry in ClinVar:

ClinVar aggregate classification (germline): Uncertain significance (1 of 4 stars; one submission).

Allele frequency attached by ClinVar (database versions not stated): gnomAD exomes below 0.00001; ExAC 0.00001; gnomAD 0.00001; TOPMed 0.00001.
gnomAD v4.1: 4 of 1,612,018 alleles (0.00025%); highest among the groups gnomAD compares: African/African-American, 0.0054%; no homozygotes.

Submission:

Labcorp Genetics (formerly Invitae), Labcorp
Classification: Uncertain significance. Last evaluated: 2022-07-09. Review status: criteria provided, single submitter. Criteria: Invitae Variant Classification Sherloc (09022015). Collection method: clinical testing. Allele origin: germline.
Comment: This sequence change replaces glutamic acid, which is acidic and polar, with aspartic acid, which is acidic and polar, at codon 19 of the KCNH1 protein (p.Glu19Asp). The frequency data for this variant in the population databases is considered unreliable, as metrics indicate poor data quality at this position in the gnomAD database. This variant has not been reported in the literature in individuals affected with KCNH1-related conditions. Algorithms developed to predict the effect of missense changes on protein structure and function are either unavailable or do not agree on the potential impact of this missense change (SIFT: "Deleterious"; PolyPhen-2: "Benign"; Align-GVGD: "Class C0"). In summary, the available evidence is currently insufficient to determine the role of this variant in disease. Therefore, it has been classified as a Variant of Uncertain Significance.

NM_172362.3(KCNH1):c.57G>T (p.Glu19Asp)

Gene: KCNH1 (potassium voltage-gated channel subfamily H member 1; minus strand). Cytogenetic location: 1q32.2.
Variant type: single nucleotide variant.
Coding change: c.57G>T on transcript NM_172362.3 (MANE Select); coding-DNA position 57, G replaced by T.
Protein change: p.Glu19Asp; replaces glutamic acid 19 with aspartic acid.
Molecular consequence: missense variant.
Genome position (GRCh38, 1-based): chr1:211,133,889, C>A on the plus strand (G>T on the coding strand, the complement: KCNH1 is on the minus strand). VCF-style: chr1-211133889-C-A. GRCh37 (hg19) VCF-style: chr1-211307231-C-A.
Other names: c.57G>T, p.Glu19Asp (NM_002238.4); short protein forms E19D.
Identifiers: ClinVar variation 2015290 (VCV002015290.4), dbSNP rs754664034, ClinGen allele CA1380141.